The following is an entry in ClinVar:

NM_000217.3(KCNA1):c.757A>T (p.Ile253Phe)

Gene: KCNA1 (potassium voltage-gated channel subfamily A member 1; plus strand). Cytogenetic location: 12p13.32.
Variant type: single nucleotide variant.
Coding change: c.757A>T on transcript NM_000217.3 (MANE Select); coding-DNA position 757, A replaced by T.
Protein change: p.Ile253Phe; replaces isoleucine 253 with phenylalanine.
Molecular consequence: missense variant.
Genome position (GRCh38, 1-based): chr12:4,912,135, A>T. VCF-style: chr12-4912135-A-T. GRCh37 (hg19) VCF-style: chr12-5021301-A-T.
Other names: short protein forms I253F.
Identifiers: ClinVar variation 955199 (VCV000955199.9), dbSNP rs1947356316, ClinGen allele CA383455266.
Genomic context (GRCh38, chr12:4,912,135, plus strand): 5'-TCCTTCGAGCTGGTGGTGCGCTTCTTCGCCTGCCCCAGCAAGACGGACTTCTTCAAAAAC[A>T]TCATGAACTTCATAGACATTGTGGCCATCATTCCTTATTTCATCACGCTGGGCACCGAGA-3'
Protein context (NP_000208.2, residues 243-263): CPSKTDFFKN[Ile253Phe]MNFIDIVAII

ClinVar aggregate classification (germline): Uncertain significance (1 of 4 stars; one submission).

Conditions:
Episodic ataxia type 1 (EA1). Also called: MYOKYMIA WITH PERIODIC ATAXIA; Episodic ataxia/myokymia syndrome; PAROXYSMAL ATAXIA WITH NEUROMYOTONIA, HEREDITARY; ATAXIA, EPISODIC, WITH MYOKYMIA. Identifiers: Orphanet 37612, Orphanet 972, MedGen C1719788, MONDO:0008047, OMIM 160120.

Submission:

Labcorp Genetics (formerly Invitae), Labcorp
Classification: Uncertain significance for Episodic ataxia type 1. Last evaluated: 2022-03-18. Review status: criteria provided, single submitter. Criteria: Invitae Variant Classification Sherloc (09022015). Collection method: clinical testing. Allele origin: germline.
Comment: ClinVar contains an entry for this variant (Variation ID: 955199). Algorithms developed to predict the effect of missense changes on protein structure and function are either unavailable or do not agree on the potential impact of this missense change (SIFT: "Deleterious"; PolyPhen-2: "Benign"; Align-GVGD: "Class C0"). In summary, the available evidence is currently insufficient to determine the role of this variant in disease. Therefore, it has been classified as a Variant of Uncertain Significance. This variant has not been reported in the literature in individuals affected with KCNA1-related conditions. This variant is not present in population databases (gnomAD no frequency). This sequence change replaces isoleucine, which is neutral and non-polar, with phenylalanine, which is neutral and non-polar, at codon 253 of the KCNA1 protein (p.Ile253Phe).